The following is an entry in ClinVar:

ClinVar aggregate classification (germline): Uncertain significance (1 of 4 stars; one submission).

Conditions:
Hereditary cancer-predisposing syndrome. Also called: Neoplastic Syndromes, Hereditary; Tumor predisposition; Hereditary neoplastic syndrome; Hereditary Cancer Syndrome. Identifiers: Orphanet 140162, MedGen C0027672, MeSH D009386, MONDO:0015356.

Submission:

Ambry Genetics
Classification: Uncertain significance for Hereditary cancer-predisposing syndrome. Last evaluated: 2024-05-23. Review status: criteria provided, single submitter. Criteria: Ambry Variant Classification Scheme 2023. Collection method: clinical testing. Allele origin: germline.
Comment: The p.G41S variant (also known as c.121G>A), located in coding exon 1 of the AXIN2 gene, results from a G to A substitution at nucleotide position 121. The glycine at codon 41 is replaced by serine, an amino acid with similar properties. This amino acid position is highly conserved in available vertebrate species. In addition, this alteration is predicted to be tolerated by in silico analysis. Based on the available evidence, the clinical significance of this variant remains unclear.

NM_004655.4(AXIN2):c.121G>A (p.Gly41Ser)

Gene: AXIN2 (axin 2; minus strand). Cytogenetic location: 17q24.1.
Variant type: single nucleotide variant.
Coding change: c.121G>A on transcript NM_004655.4 (MANE Select); coding-DNA position 121, G replaced by A.
Protein change: p.Gly41Ser; replaces glycine 41 with serine.
Molecular consequence: missense variant.
Genome position (GRCh38, 1-based): chr17:65,558,500, C>T on the plus strand (G>A on the coding strand, the complement: AXIN2 is on the minus strand). VCF-style: chr17-65558500-C-T. GRCh37 (hg19) VCF-style: chr17-63554618-C-T.
Other names: c.121G>A, p.Gly41Ser (NM_001363813.1); short protein forms G41S.
Identifiers: ClinVar variation 3335803 (VCV003335803.1).